The following is an entry in ClinVar:

NM_201599.3(ZMYM3):c.1252-2A>G

Gene: ZMYM3 (zinc finger MYM-type containing 3; minus strand). Cytogenetic location: Xq13.1.
Variant type: single nucleotide variant.
Coding change: c.1252-2A>G on transcript NM_201599.3 (MANE Select); the canonical splice acceptor site of the intron before coding-DNA position 1252, A replaced by G.
Molecular consequence: splice acceptor variant.
Genome position (GRCh38, 1-based): chrX:71,249,681, T>C on the plus strand (A>G on the coding strand, the complement: ZMYM3 is on the minus strand). VCF-style: chrX-71249681-T-C. GRCh37 (hg19) VCF-style: chrX-70469531-T-C.
Other names: c.1252-2A>G (NM_001171162.1, NM_005096.3, NM_001171163.1).
Identifiers: ClinVar variation 4891540 (VCV004891540.1).
Genomic context (GRCh38, chrX:71,249,681, plus strand): 5'-AAGCAAGAATCGCTGCAGAGCCGGTGTACCACGCTGCCATTGCTGACCTCGTGCAGGACC[T>C]GCCACACACATACACGCACCCTGAGCTAGGGCCTGGCCACCACCGCCCACCCCAATGCAA-3'

ClinVar aggregate classification (germline): Likely pathogenic (1 of 4 stars; one submission).

Conditions:
Intellectual developmental disorder, X-linked 112 (XLID112). Identifiers: MedGen C5829589, MONDO:0957496, OMIM 301111.

Submission:

Clinical Genetics Laboratory, University Hospital Schleswig-Holstein
Classification: Likely pathogenic for Intellectual developmental disorder, X-linked 112. Last evaluated: 2025-12-12. Review status: criteria provided, single submitter. Criteria: ACMG Guidelines, 2015. Collection method: clinical testing. Allele origin: de novo. Affected: yes. Observed: 1 hemizygote.
Comment: ACMG criteria applied: PM2, PVS1_Strong, PS2_Supporting